The following is an entry in ClinVar:

NM_001130438.3(SPTAN1):c.424G>T (p.Gly142Ter)

Gene: SPTAN1 (spectrin alpha, non-erythrocytic 1; plus strand). Cytogenetic location: 9q34.11.
Variant type: single nucleotide variant.
Coding change: c.424G>T on transcript NM_001130438.3 (MANE Select); coding-DNA position 424, G replaced by T.
Protein change: p.Gly142Ter; replaces glycine 142 with a stop codon.
Molecular consequence: nonsense.
Genome position (GRCh38, 1-based): chr9:128,574,735, G>T. VCF-style: chr9-128574735-G-T. GRCh37 (hg19) VCF-style: chr9-131337014-G-T.
Other names: c.424G>T, p.Gly142Ter (NM_001195532.2, NM_001363759.2, NM_001363765.2 and 10 more transcripts); c.460G>T, p.Gly154Ter (NM_001375312.2, NM_001375318.1, NM_001438440.1); short protein forms G142*, G154*.
Identifiers: ClinVar variation 4804496 (VCV004804496.1).

ClinVar aggregate classification (germline): Pathogenic (1 of 4 stars; one submission).

Conditions:
Early-infantile DEE. Also called: Ohtahara syndrome; Early infantile epileptic encephalopathy; Early infantile epileptic encephalopathy with suppression bursts. Identifiers: Orphanet 1934, MedGen C0393706, MONDO:0800491.

Submission:

Labcorp Genetics (formerly Invitae), Labcorp
Classification: Pathogenic for Early-infantile DEE. Last evaluated: 2025-06-17. Review status: criteria provided, single submitter. Criteria: Invitae Variant Classification Sherloc (09022015). Collection method: clinical testing. Allele origin: germline.
Comment: This sequence change creates a premature translational stop signal (p.Gly142*) in the SPTAN1 gene. It is expected to result in an absent or disrupted protein product. Loss-of-function variants in SPTAN1 are known to be pathogenic (PMID: 31332438, 33206935). This variant is not present in population databases (gnomAD no frequency). This variant has not been reported in the literature in individuals affected with SPTAN1-related conditions. For these reasons, this variant has been classified as Pathogenic.

Literature cited by the submitters: PubMed 31332438; PubMed 33206935.